The following is an entry in ClinVar:

ClinVar aggregate classification (germline): Uncertain significance (1 of 4 stars; one submission).

Conditions:
Hyper-IgE recurrent infection syndrome 1, autosomal dominant. Also called: Job's Syndrome; Hyper-IgE recurrent infection syndrome 1; HYPER-IgE SYNDROME 1, AUTOSOMAL DOMINANT, WITH RECURRENT INFECTIONS; JOB SYNDROME; STAT3 Hyper IgE Syndrome. Identifiers: Orphanet 2314, MedGen C2936739, MONDO:0007818, OMIM 147060.
STAT3 gain of function. Identifiers: MedGen C4288261.

Submission:

Labcorp Genetics (formerly Invitae), Labcorp
Classification: Uncertain significance for STAT3 gain of function; Hyper-IgE recurrent infection syndrome 1, autosomal dominant. Last evaluated: 2018-09-28. Review status: criteria provided, single submitter. Criteria: Invitae Variant Classification Sherloc (09022015). Collection method: clinical testing. Allele origin: germline.
Comment: This sequence change replaces tryptophan with arginine at codon 546 of the STAT3 protein (p.Trp546Arg). The tryptophan residue is highly conserved and there is a moderate physicochemical difference between tryptophan and arginine. This variant is not present in population databases (ExAC no frequency). This variant has not been reported in the literature in individuals with STAT3-related disease. Algorithms developed to predict the effect of missense changes on protein structure and function are either unavailable or do not agree on the potential impact of this missense change (SIFT: "Deleterious"; PolyPhen-2: "Possibly Damaging"; Align-GVGD: "Class C0"). In summary, the available evidence is currently insufficient to determine the role of this variant in disease. Therefore, it has been classified as a Variant of Uncertain Significance.

NM_139276.3(STAT3):c.1636T>C (p.Trp546Arg)

Gene: STAT3 (signal transducer and activator of transcription 3; minus strand). Cytogenetic location: 17q21.2.
Variant type: single nucleotide variant.
Coding change: c.1636T>C on transcript NM_139276.3 (MANE Select); coding-DNA position 1636, T replaced by C.
Protein change: p.Trp546Arg; replaces tryptophan 546 with arginine.
Molecular consequence: missense variant.
Genome position (GRCh38, 1-based): chr17:42,323,590, A>G on the plus strand (T>C on the coding strand, the complement: STAT3 is on the minus strand). VCF-style: chr17-42323590-A-G. GRCh37 (hg19) VCF-style: chr17-40475608-A-G.
Other names: c.1636T>C, p.Trp546Arg (NM_001369512.1, NM_001384988.1, NM_001384991.1 and 10 more transcripts); c.1615T>C, p.Trp539Arg (NM_001384987.1); c.1540T>C, p.Trp514Arg (NM_001384989.1); c.1651T>C, p.Trp551Arg (NM_001384990.1, NM_001384986.1); c.1576T>C, p.Trp526Arg (NM_001384992.1); c.1552T>C, p.Trp518Arg (NM_001384984.1); c.1558T>C, p.Trp520Arg (NM_001384985.1); short protein forms W546R, W514R, W518R, W520R, W526R, W539R, W551R.
Identifiers: ClinVar variation 570821 (VCV000570821.2), dbSNP rs1567708724, ClinGen allele CA399584267.